The following is an entry in ClinVar:

NM_006244.4(PPP2R5B):c.1006C>A (p.Leu336Met)

Gene: PPP2R5B (protein phosphatase 2 regulatory subunit B'beta; plus strand). Cytogenetic location: 11q13.1.
Variant type: single nucleotide variant.
Coding change: c.1006C>A on transcript NM_006244.4 (MANE Select); coding-DNA position 1006, C replaced by A.
Protein change: p.Leu336Met; replaces leucine 336 with methionine.
Molecular consequence: missense variant.
Genome position (GRCh38, 1-based): chr11:64,931,758, C>A. VCF-style: chr11-64931758-C-A. GRCh37 (hg19) VCF-style: chr11-64699230-C-A.
Other names: short protein forms L336M.
Identifiers: ClinVar variation 3676242 (VCV003676242.2).

ClinVar aggregate classification (germline): Uncertain significance (1 of 4 stars; one submission).

Submission:

Labcorp Genetics (formerly Invitae), Labcorp
Classification: Uncertain significance. Last evaluated: 2024-02-27. Review status: criteria provided, single submitter. Criteria: Invitae Variant Classification Sherloc (09022015). Collection method: clinical testing. Allele origin: germline.
Comment: This sequence change replaces leucine, which is neutral and non-polar, with methionine, which is neutral and non-polar, at codon 336 of the PPP2R5B protein (p.Leu336Met). This variant is not present in population databases (gnomAD no frequency). This variant has not been reported in the literature in individuals affected with PPP2R5B-related conditions. Advanced modeling of protein sequence and biophysical properties (such as structural, functional, and spatial information, amino acid conservation, physicochemical variation, residue mobility, and thermodynamic stability) performed at Invitae indicates that this missense variant is expected to disrupt PPP2R5B protein function with a positive predictive value of 80%. In summary, the available evidence is currently insufficient to determine the role of this variant in disease. Therefore, it has been classified as a Variant of Uncertain Significance.